The following is an entry in ClinVar:

NM_007294.4(BRCA1):c.2164del (p.Val722fs)

Gene: BRCA1 (BRCA1 DNA repair associated; minus strand). Cytogenetic location: 17q21.31.
Variant type: Deletion.
Coding change: c.2164del on transcript NM_007294.4 (MANE Select); coding-DNA position 2164, one base deleted (G; older notation c.2164delG).
Protein change: p.Val722fs; shifts the reading frame from valine 722.
Molecular consequence: frameshift variant. On other transcripts: intron variant (137).
Genome position (GRCh38, 1-based): chr17:43,093,367, C deleted on the plus strand (G on the coding strand, the reverse complement: BRCA1 is on the minus strand). VCF-style (leftmost placement, unchanged base first): chr17-43093366-AC-A. GRCh37 (hg19) VCF-style: chr17-41245383-AC-A.
Other names: c.1954del, p.Val652fs (NM_001407908.1, NM_001407909.1, NM_001407910.1 and 13 more transcripts); c.1951del, p.Val651fs (NM_001407915.1, NM_001407916.1, NM_001407917.1 and 9 more transcripts); c.2041del, p.Val681fs (NM_001407919.1, NM_001407937.1, NM_001407938.1 and 19 more transcripts); c.1900del, p.Val634fs (NM_001407920.1, NM_001407921.1, NM_001407922.1 and 9 more transcripts); c.1897del, p.Val633fs (NM_001407930.1, NM_001407931.1, NM_001407932.1 and 2 more transcripts); c.2038del, p.Val680fs (NM_001407940.1, NM_001407941.1, NM_001407649.1 and 11 more transcripts); c.2023del, p.Val675fs (NM_001407942.1, NM_001407944.1, NM_001407945.1 and 29 more transcripts); c.2020del, p.Val674fs (NM_001407943.1, NM_001407964.1, NM_001407740.1 and 20 more transcripts); and 41 more; short protein forms V722fs, V675fs, V426fs, V633fs, V654fs, V674fs, V681fs, V721fs.
Identifiers: ClinVar variation 481441 (VCV000481441.6), dbSNP rs1555590315, ClinGen allele CA658656731.

ClinVar aggregate classification (germline): Pathogenic (1 of 4 stars; one submission).

Conditions:
Hereditary cancer-predisposing syndrome. Also called: Hereditary Cancer Syndrome; Neoplastic Syndromes, Hereditary; Tumor predisposition; Hereditary neoplastic syndrome. Identifiers: Orphanet 140162, MedGen C0027672, MeSH D009386, MONDO:0015356.

Submission:

Ambry Genetics
Classification: Pathogenic for Hereditary cancer-predisposing syndrome. Last evaluated: 2016-05-04. Review status: criteria provided, single submitter. Criteria: Ambry Variant Classification Scheme 2023. Collection method: clinical testing. Allele origin: germline.
Comment: The c.2164delG pathogenic mutation, located in coding exon 9 of the BRCA1 gene, results from a deletion of one nucleotide at nucleotide position 2164, causing a translational frameshift with a predicted alternate stop codon. Since frameshifts are typically deleterious in nature, this alteration is interpreted as a disease-causing mutation (ACMG Recommendations for Standards for Interpretation and Reporting of Sequence Variations. Revision 2007. Genet Med. 2008;10:294).